The following is an entry in ClinVar:

NM_001146.5(ANGPT1):c.658C>G (p.Gln220Glu)

Gene: ANGPT1 (angiopoietin 1; minus strand). Cytogenetic location: 8q23.1.
Variant type: single nucleotide variant.
Coding change: c.658C>G on transcript NM_001146.5 (MANE Select); coding-DNA position 658, C replaced by G.
Protein change: p.Gln220Glu; replaces glutamine 220 with glutamic acid.
Molecular consequence: missense variant.
Genome position (GRCh38, 1-based): chr8:107,322,046, G>C on the plus strand (C>G on the coding strand, the complement: ANGPT1 is on the minus strand). VCF-style: chr8-107322046-G-C. GRCh37 (hg19) VCF-style: chr8-108334274-G-C.
Other names: c.658C>G, p.Gln220Glu (NM_001199859.3); c.58C>G, p.Gln20Glu (NM_001314051.2); short protein forms Q20E, Q220E.
Identifiers: ClinVar variation 1358849 (VCV001358849.8), dbSNP rs2130063322, ClinGen allele CA372034134.

ClinVar aggregate classification (germline): Uncertain significance (1 of 4 stars; one submission).

Submission:

Labcorp Genetics (formerly Invitae), Labcorp
Classification: Uncertain significance. Last evaluated: 2022-10-24. Review status: criteria provided, single submitter. Criteria: Invitae Variant Classification Sherloc (09022015). Collection method: clinical testing. Allele origin: germline.
Comment: This sequence change replaces glutamine, which is neutral and polar, with glutamic acid, which is acidic and polar, at codon 220 of the ANGPT1 protein (p.Gln220Glu). This variant is not present in population databases (gnomAD no frequency). This variant has not been reported in the literature in individuals affected with ANGPT1-related conditions. ClinVar contains an entry for this variant (Variation ID: 1358849). Algorithms developed to predict the effect of missense changes on protein structure and function (SIFT, PolyPhen-2, Align-GVGD) all suggest that this variant is likely to be tolerated. In summary, the available evidence is currently insufficient to determine the role of this variant in disease. Therefore, it has been classified as a Variant of Uncertain Significance.